The following is an entry in ClinVar:

NM_002206.3(ITGA7):c.2024C>G (p.Ala675Gly)

Genes: ITGA7 (integrin subunit alpha 7; minus strand), LOC126861535 (CDK7 strongly-dependent group 2 enhancer GRCh37_chr12:56087579-56088778; plus strand). Cytogenetic location: 12q13.2.
Variant type: single nucleotide variant.
Coding change: c.2024C>G on transcript NM_002206.3 (MANE Select); coding-DNA position 2024, C replaced by G.
Protein change: p.Ala675Gly; replaces alanine 675 with glycine.
Molecular consequence: missense variant.
Genome position (GRCh38, 1-based): chr12:55,694,950, G>C on the plus strand (C>G on the coding strand, the complement: ITGA7 is on the minus strand). VCF-style: chr12-55694950-G-C. GRCh37 (hg19) VCF-style: chr12-56088734-G-C.
Other names: p.Ala675Gly; c.2036C>G, p.Ala679Gly (NM_001144996.2); c.1745C>G, p.Ala582Gly (NM_001144997.2); c.1697C>G, p.Ala566Gly (NM_001367993.1); c.680C>G, p.Ala227Gly (NM_001367994.1); c.2006C>G, p.Ala669Gly (NM_001374465.1); c.2156C>G, p.Ala719Gly (NM_001410977.1); c.2018C>G, p.Ala673Gly (NM_001414029.1); and 5 more; short protein forms A566G, A227G, A669G, A679G, A582G, A675G, A719G, A635G.
Identifiers: ClinVar variation 957123 (VCV000957123.10), dbSNP rs757891625, ClinGen allele CA6615747.

ClinVar aggregate classification (germline): Uncertain significance. Review status: criteria provided, multiple submitters, no conflicts (2 of 4 stars). 2 submissions from 2 submitters: Uncertain significance (2). Last evaluated 2022-08-22.

Conditions:
Congenital muscular dystrophy due to integrin alpha-7 deficiency. Also called: MYOPATHY, CONGENITAL, DUE TO INTEGRIN ALPHA-7 DEFICIENCY; Congenital muscular dystrophy with integrin alpha-7 deficiency; Muscular dystrophy, congenital, due to ITGA7 deficiency. Identifiers: Orphanet 34520, MedGen C2750786, MONDO:0013177, OMIM 613204.

Allele frequency attached by ClinVar (database versions not stated): TOPMed 0.00002.
gnomAD v4.1: 88 of 1,613,664 alleles (0.0055%); highest among the groups gnomAD compares: Non-Finnish European, 0.007%; no homozygotes.

Submissions (2):

Labcorp Genetics (formerly Invitae), Labcorp
Classification: Uncertain significance for Congenital muscular dystrophy due to integrin alpha-7 deficiency. Last evaluated: 2022-08-22. Review status: criteria provided, single submitter. Criteria: Invitae Variant Classification Sherloc (09022015). Collection method: clinical testing. Allele origin: germline.
Comment: This sequence change replaces alanine, which is neutral and non-polar, with glycine, which is neutral and non-polar, at codon 675 of the ITGA7 protein (p.Ala675Gly). This variant is present in population databases (rs757891625, gnomAD 0.01%). This variant has not been reported in the literature in individuals affected with ITGA7-related conditions. ClinVar contains an entry for this variant (Variation ID: 957123). Algorithms developed to predict the effect of missense changes on protein structure and function (SIFT, PolyPhen-2, Align-GVGD) all suggest that this variant is likely to be tolerated. In summary, the available evidence is currently insufficient to determine the role of this variant in disease. Therefore, it has been classified as a Variant of Uncertain Significance.

Mayo Clinic Laboratories, Mayo Clinic
Classification: Uncertain significance. Last evaluated: 2021-07-06. Review status: criteria provided, single submitter. Criteria: ACMG Guidelines, 2015. Collection method: clinical testing. Allele origin: germline.